The following is an entry in ClinVar:

ClinVar aggregate classification (germline): Uncertain significance (1 of 4 stars; one submission).

Conditions:
Deficiency of alpha-mannosidase (MANSA). Also called: Mannosidosis, alpha-, types I and II; LYSOSOMAL ALPHA-D-MANNOSIDASE DEFICIENCY; Alpha-Mannosidosis. Identifiers: Orphanet 61, MedGen C0024748, MONDO:0009561, OMIM 248500.

Allele frequency attached by ClinVar (database versions not stated): gnomAD 0.00001; gnomAD exomes 0.00001; TOPMed 0.00001.
gnomAD v4.1: 11 of 1,614,070 alleles (0.00068%); highest among the groups gnomAD compares: Non-Finnish European, 0.00085%; no homozygotes.

Submission:

Labcorp Genetics (formerly Invitae), Labcorp
Classification: Uncertain significance for Deficiency of alpha-mannosidase. Last evaluated: 2022-09-01. Review status: criteria provided, single submitter. Criteria: Invitae Variant Classification Sherloc (09022015). Collection method: clinical testing. Allele origin: germline.
Comment: This sequence change replaces alanine, which is neutral and non-polar, with serine, which is neutral and polar, at codon 302 of the MAN2B1 protein (p.Ala302Ser). This variant is not present in population databases (gnomAD no frequency). This variant has not been reported in the literature in individuals affected with MAN2B1-related conditions. Algorithms developed to predict the effect of missense changes on protein structure and function output the following: SIFT: "Tolerated"; PolyPhen-2: "Benign"; Align-GVGD: "Class C0". The serine amino acid residue is found in multiple mammalian species, which suggests that this missense change does not adversely affect protein function. In summary, the available evidence is currently insufficient to determine the role of this variant in disease. Therefore, it has been classified as a Variant of Uncertain Significance.

NM_000528.4(MAN2B1):c.904G>T (p.Ala302Ser)

Gene: MAN2B1 (mannosidase alpha class 2B member 1; minus strand). Cytogenetic location: 19p13.13.
Variant type: single nucleotide variant.
Coding change: c.904G>T on transcript NM_000528.4 (MANE Select); coding-DNA position 904, G replaced by T.
Protein change: p.Ala302Ser; replaces alanine 302 with serine.
Molecular consequence: missense variant.
Genome position (GRCh38, 1-based): chr19:12,663,322, C>A on the plus strand (G>T on the coding strand, the complement: MAN2B1 is on the minus strand). VCF-style: chr19-12663322-C-A. GRCh37 (hg19) VCF-style: chr19-12774136-C-A.
Other names: c.904G>T, p.Ala302Ser (NM_001173498.2); short protein forms A302S.
Identifiers: ClinVar variation 2167883 (VCV002167883.1), dbSNP rs1288920089, ClinGen allele CA404251848.
Genomic context (GRCh38, chr19:12,663,322, plus strand): 5'-AAGAGCTCATTGTATTGTATATACCGGACTCGAAGGTTCTGGACACCAGGGTTACCTGGG[C>A]AGTGGCCACATTTAGGAAGTAATCGACCAGCTCCTTGGCGTTGTACTCGGGGCTGCGAGG-3'
Protein context (NP_000519.2, residues 292-312): LVDYFLNVAT[Ala302Ser]QGRYYRTNHT